The following is an entry in ClinVar:

NM_006231.4(POLE):c.3046G>A (p.Val1016Met)

Gene: POLE (DNA polymerase epsilon, catalytic subunit; minus strand). Cytogenetic location: 12q24.33.
Variant type: single nucleotide variant.
Coding change: c.3046G>A on transcript NM_006231.4 (MANE Select); coding-DNA position 3046, G replaced by A.
Protein change: p.Val1016Met; replaces valine 1016 with methionine.
Molecular consequence: missense variant.
Genome position (GRCh38, 1-based): chr12:132,660,983, C>T on the plus strand (G>A on the coding strand, the complement: POLE is on the minus strand). VCF-style: chr12-132660983-C-T. GRCh37 (hg19) VCF-style: chr12-133237569-C-T.
Other names: short protein forms V1016M.
Identifiers: ClinVar variation 220916 (VCV000220916.80), dbSNP rs147692158, ClinGen allele CA350278.

ClinVar aggregate classification (germline): Conflicting classifications of pathogenicity. Review status: criteria provided, conflicting classifications (1 of 4 stars). 14 submissions from 14 submitters: Uncertain significance (2); Benign (3); Likely benign (6). 3 of the submissions do not count toward it. Last evaluated 2026-02-04.

Conditions:
POLE-related disorder. Also called: POLE-related disorders; POLE-related condition.
Hereditary cancer-predisposing syndrome. Also called: Neoplastic Syndromes, Hereditary; Hereditary Cancer Syndrome; Tumor predisposition; Hereditary neoplastic syndrome. Identifiers: Orphanet 140162, MedGen C0027672, MeSH D009386, MONDO:0015356.
Colorectal cancer, susceptibility to, 12 (CRCS12). Also called: COLORECTAL CANCER, SUSCEPTIBILITY TO, ON CHROMOSOME 12q24. Identifiers: Orphanet 220460, MedGen C3554460, MONDO:0014038, OMIM 615083.
Malignant tumor of breast. Also called: Malignant breast neoplasm; Cancer breast. Identifiers: MedGen C0006142, MONDO:0007254. Disease mechanism: loss of function.

Allele frequency attached by ClinVar (database versions not stated): 1000 Genomes Project 30x 0.00016; 1000 Genomes Project 0.00020; TOPMed 0.00059; gnomAD 0.00064 and 0.00065; gnomAD exomes 0.00078; ESP Exome Variant Server 0.00092; ExAC 0.00101.
gnomAD v4.1: 1,636 of 1,611,244 alleles (0.1%); highest among the groups gnomAD compares: Non-Finnish European, 0.13%; 1 homozygote.

Submissions (14):

Labcorp Genetics (formerly Invitae), Labcorp
Classification: Likely benign. Last evaluated: 2026-02-04. Review status: criteria provided, single submitter. Criteria: Invitae Variant Classification Sherloc (09022015). Collection method: clinical testing. Allele origin: germline.

Center for Genomic Medicine, Rigshospitalet, Copenhagen University Hospital
Classification: Benign. Last evaluated: 2025-12-29. Review status: criteria provided, single submitter. Criteria: ACMG Guidelines, 2015. Collection method: clinical testing. Allele origin: germline.
Comment: Classification criteria: BA1

Mayo Clinic Laboratories, Mayo Clinic
Classification: Likely benign. Last evaluated: 2025-10-12. Review status: criteria provided, single submitter. Criteria: ACMG Guidelines, 2015. Collection method: clinical testing. Allele origin: germline. Observed: 2 variant alleles.
Comment: BS1, BP4

CeGaT Center for Human Genetics Tuebingen
Classification: Likely benign. Last evaluated: 2025-03-01. Review status: criteria provided, single submitter. Criteria: CeGaT Center For Human Genetics Tuebingen Variant Classification Criteria Version 2. Collection method: clinical testing. Allele origin: germline. Affected: yes. Observed: 3 variant alleles.
Comment: POLE: BS1

Ambry Genetics
Classification: Benign for Hereditary cancer-predisposing syndrome. Last evaluated: 2024-02-27. Review status: criteria provided, single submitter. Criteria: Ambry Variant Classification Scheme 2023. Collection method: clinical testing. Allele origin: germline.

Sema4
Classification: Likely benign for Hereditary cancer-predisposing syndrome. Last evaluated: 2021-07-15. Review status: criteria provided, single submitter. Criteria: Sema4 Curation Guidelines. Collection method: curation. Allele origin: germline.

GeneDx
Classification: Likely benign. Last evaluated: 2020-10-29. Review status: criteria provided, single submitter. Criteria: GeneDx Variant Classification Process June 2021. Collection method: clinical testing. Allele origin: germline. Affected: yes.
Comment: This variant is associated with the following publications: (PMID: 28873162, 21701589, 29458332)

Mendelics
Classification: Uncertain significance for Colorectal cancer, susceptibility to, 12. Last evaluated: 2019-05-28. Review status: criteria provided, single submitter. Criteria: Mendelics Assertion Criteria 2017. Collection method: clinical testing. Allele origin: unknown.

Women's Health and Genetics/Laboratory Corporation of America, LabCorp
Classification: Likely benign. Last evaluated: 2019-05-14. Review status: criteria provided, single submitter. Criteria: LabCorp Variant Classification Summary - May 2015. Collection method: clinical testing. Allele origin: germline.
Comment: Variant summary: POLE c.3046G>A (p.Val1016Met) results in a conservative amino acid change located in the DNA-directed DNA polymerase, family B, multifunctional domain (IPR006134) of the encoded protein sequence. Three of five in-silico tools predict a benign effect of the variant on protein function. The variant allele was found at a frequency of 0.00078 in 248236 control chromosomes in the gnomAD database, including 1 homozygote. The observed variant frequency is approximately 55 fold of the estimated maximal expected allele frequency for a pathogenic variant in POLE causing Colorectal Cancer phenotype (1.4e-05), strongly suggesting that the variant is benign. c.3046G>A has been reported in the literature in individuals affected with various tumor phenotypes, e.g. colorectal cancer and cutaneous melanoma, but without strong evidence of causality (Dominguez-Valentin_2018, Pritchard_2018). To our knowledge, no experimental evidence demonstrating an impact on protein function has been reported. Nine clinical diagnostic laboratories have submitted clinical-significance assessments for this variant to ClinVar after 2014 without evidence for independent evaluation, one classified as likely benign while the others classified as VUS. Based on the evidence outlined above, the variant was classified as likely benign.

Quest Diagnostics Nichols Institute San Juan Capistrano
Classification: Benign. Last evaluated: 2019-02-26. Review status: criteria provided, single submitter. Criteria: Quest Diagnostics criteria. Collection method: clinical testing. Allele origin: germline.

Laboratory for Molecular Medicine, Mass General Brigham Personalized Medicine
Classification: Uncertain significance. Last evaluated: 2016-10-31. Review status: criteria provided, single submitter. Criteria: LMM Criteria. Collection method: clinical testing. Allele origin: germline.
Comment: Variant identified in a genome or exome case(s) and assessed due to predicted null impact of the variant or pathogenic assertions in the literature or databases. Disclaimer: This variant has not undergone full assessment. The following are preliminary notes: This variant has not been reported in affected individuals. It is classified in ClinVar with 1 star as Likely benign by Invitae and VUS by GeneDx. It is present in ExAC at a MaxMAF of 0.15% (high for disease incidence and gene contribution).

PreventionGenetics, part of Exact Sciences
Classification: Likely benign for POLE-related condition. Last evaluated: 2023-05-01. Review status: no assertion criteria provided. Collection method: clinical testing. Allele origin: germline. Not counted in ClinVar's aggregate classification.
Comment: This variant is classified as likely benign based on ACMG/AMP sequence variant interpretation guidelines (Richards et al. 2015 PMID: 25741868, with internal and published modifications).

True Health Diagnostics
Classification: Uncertain significance for Hereditary cancer-predisposing syndrome. Last evaluated: 2018-09-07. Review status: no assertion criteria provided. Collection method: clinical testing. Allele origin: germline. Not counted in ClinVar's aggregate classification.

Department of Pathology and Laboratory Medicine, Sinai Health System
Classification: Uncertain significance for Malignant tumor of breast. Review status: no assertion criteria provided. Collection method: clinical testing. Allele origin: unknown. Affected: yes. Observed: 2 variant alleles. Study: The Canadian Open Genetics Repository (COGR). Not counted in ClinVar's aggregate classification.
Comment: The POLE p.Val1016Met variant was not identified in the literature nor was it identified in the Cosmic or MutDB databases. The variant was identified in dbSNP (ID: rs147692158) as â€šÃ„ÃºWith Uncertain significance alleleâ€šÃ„Ã¹ and ClinVar (as likely benign by Invitae, and uncertain significance by GeneDx, Laboratory for Molecular Medicine Partners Health Care Personalized Medicine, Quest Diagnostics and Ambry Genetics). The variant was identified in control databases in 206 of 273880 chromosomes (1 homozygous) at a frequency of 0.0008 increasing the likelihood this could be a low frequency benign variant (Genome Aggregation Database Feb 27, 2017). It was observed in the following populations: African in 5 of 24010 chromosomes (freq: 0.0002), Other in 6 of 6400 chromosomes (freq: 0.0009), Latino in 8 of 34170 chromosomes (freq: 0.0002), European (Non-Finnish) in 172 of 124734 chromosomes (freq: 0.001), Finnish in 15 of 25468 chromosomes (freq: 0.0006); it was not observed in the Ashkenazi Jewish, East Asian, and South Asian populations. The p.Val1016 residue is conserved in mammals and computational analyses (PolyPhen-2, SIFT, AlignGVGD, BLOSUM, MutationTaster) provide inconsistent predictions regarding the impact to the protein; this information is not very predictive of pathogenicity. The variant occurs outside of the splicing consensus sequence and in silico or computational prediction software programs (SpliceSiteFinder, MaxEntScan, NNSPLICE, GeneSplicer, HumanSpliceFinder) do not predict a difference in splicing. In summary, based on the above information the clinical significance of this variant cannot be determined with certainty at this time. This variant is classified as a variant of uncertain significance.

Literature cited by the submitters: PubMed 29458332 (cited by Women's Health and Genetics/Laboratory Corporation of America, LabCorp and Quest Diagnostics Nichols Institute San Juan Capistrano); PubMed 29641532 (cited by Women's Health and Genetics/Laboratory Corporation of America, LabCorp); PubMed 28873162 (cited by Quest Diagnostics Nichols Institute San Juan Capistrano); PubMed 21701589 (cited by Quest Diagnostics Nichols Institute San Juan Capistrano).